The following is an entry in ClinVar:

ClinVar aggregate classification (germline): Uncertain significance (1 of 4 stars; one submission).

Submission:

Labcorp Genetics (formerly Invitae), Labcorp
Classification: Uncertain significance. Last evaluated: 2025-08-31. Review status: criteria provided, single submitter. Criteria: Invitae Variant Classification Sherloc (09022015). Collection method: clinical testing. Allele origin: germline.
Comment: This sequence change replaces aspartic acid, which is acidic and polar, with asparagine, which is neutral and polar, at codon 161 of the KLF10 protein (p.Asp161Asn). This variant is not present in population databases (gnomAD no frequency). This variant has not been reported in the literature in individuals affected with KLF10-related conditions. An algorithm developed to predict the effect of missense changes on protein structure and function (PolyPhen-2) suggests that this variant is likely to be disruptive. In summary, the available evidence is currently insufficient to determine the role of this variant in disease. Therefore, it has been classified as a Variant of Uncertain Significance.

NM_005655.4(KLF10):c.481G>A (p.Asp161Asn)

Gene: KLF10 (KLF transcription factor 10; minus strand). Cytogenetic location: 8q22.3.
Variant type: single nucleotide variant.
Coding change: c.481G>A on transcript NM_005655.4 (MANE Select); coding-DNA position 481, G replaced by A.
Protein change: p.Asp161Asn; replaces aspartic acid 161 with asparagine.
Molecular consequence: missense variant.
Genome position (GRCh38, 1-based): chr8:102,651,851, C>T on the plus strand (G>A on the coding strand, the complement: KLF10 is on the minus strand). VCF-style: chr8-102651851-C-T. GRCh37 (hg19) VCF-style: chr8-103664079-C-T.
Other names: c.448G>A, p.Asp150Asn (NM_001032282.4); short protein forms D150N, D161N.
Identifiers: ClinVar variation 4804118 (VCV004804118.1).
Genomic context (GRCh38, chr8:102,651,851, plus strand): 5'-GATAGTTGAGGATGCTGGCTGCTTTCATTGGGCAGGTCTGGTGGTTACATAGCTGGGCAT[C>T]AGCTGTATGACGAATCACACTTGTTGCCTGAGCTTTGGGGAGTTTGGGGGCAGATACTGG-3'
Protein context (NP_005646.1, residues 151-171): QATSVIRHTA[Asp161Asn]AQLCNHQTCP